The following is an entry in ClinVar:

NM_000359.3(TGM1):c.2113C>T (p.Gln705Ter)

Gene: TGM1 (transglutaminase 1; minus strand). Cytogenetic location: 14q12.
Variant type: single nucleotide variant.
Coding change: c.2113C>T on transcript NM_000359.3 (MANE Select); coding-DNA position 2113, C replaced by T.
Protein change: p.Gln705Ter; replaces glutamine 705 with a stop codon.
Molecular consequence: nonsense.
Genome position (GRCh38, 1-based): chr14:24,254,264, G>A on the plus strand (C>T on the coding strand, the complement: TGM1 is on the minus strand). VCF-style: chr14-24254264-G-A. GRCh37 (hg19) VCF-style: chr14-24723470-G-A.
Other names: short protein forms Q705*.
Identifiers: ClinVar variation 4777608 (VCV004777608.1).

ClinVar aggregate classification (germline): Pathogenic (1 of 4 stars; one submission).

Submission:

Labcorp Genetics (formerly Invitae), Labcorp
Classification: Pathogenic. Last evaluated: 2025-02-21. Review status: criteria provided, single submitter. Criteria: Invitae Variant Classification Sherloc (09022015). Collection method: clinical testing. Allele origin: germline.
Comment: This sequence change creates a premature translational stop signal (p.Gln705*) in the TGM1 gene. It is expected to result in an absent or disrupted protein product. Loss-of-function variants in TGM1 are known to be pathogenic (PMID: 18948357, 19241467). This variant is not present in population databases (gnomAD no frequency). This premature translational stop signal has been observed in individual(s) with congenital ichthyosis (PMID: 36262015). For these reasons, this variant has been classified as Pathogenic.

Literature cited by the submitters: PubMed 18948357; PubMed 19241467; PubMed 36262015.